The following is an entry in ClinVar:

NM_020461.4(TUBGCP6):c.4795C>T (p.Leu1599=)

Gene: TUBGCP6 (tubulin gamma complex component 6; minus strand). Cytogenetic location: 22q13.33.
Variant type: single nucleotide variant.
Coding change: c.4795C>T on transcript NM_020461.4 (MANE Select); coding-DNA position 4795, C replaced by T.
Protein change: p.Leu1599=; no amino-acid change (leucine 1599 retained).
Molecular consequence: synonymous variant.
Genome position (GRCh38, 1-based): chr22:50,218,729, G>A on the plus strand (C>T on the coding strand, the complement: TUBGCP6 is on the minus strand). VCF-style: chr22-50218729-G-A. GRCh37 (hg19) VCF-style: chr22-50657158-G-A.
Other names: c.4795C>T (NM_020461.3).
Identifiers: ClinVar variation 3663215 (VCV003663215.3).
Genomic context (GRCh38, chr22:50,218,729, plus strand): 5'-TGTCCCATCCCCCGCGGCCAGGGCTGCTGCTGACCTTGTACCTGAGCTCCAGGCAGCTCA[G>A]CACATCCGGGGCGTTGGGGGCAAACACCTCGGGCAGGTACTTGAGAGCGAGGGAGAGGTT-3'
Protein context (NP_065194.3, residues 1589-1609): EVFAPNAPDV[Leu1599=]SCLELRYKVD

ClinVar aggregate classification (germline): Likely benign. Review status: criteria provided, multiple submitters, no conflicts (2 of 4 stars). 2 submissions from 2 submitters: Likely benign (2). Last evaluated 2024-11-19.

Conditions:
TUBGCP6-related disorder. Also called: TUBGCP6-related condition.

Submissions (2):

PreventionGenetics, part of Exact Sciences
Classification: Likely benign for TUBGCP6-related condition. Last evaluated: 2024-11-19. Review status: criteria provided, single submitter. Criteria: ACMG Guidelines, 2015. Collection method: clinical testing. Allele origin: germline.
Comment: This variant is classified as likely benign based on ACMG/AMP sequence variant interpretation guidelines (Richards et al. 2015 PMID: 25741868, with internal and published modifications).

Labcorp Genetics (formerly Invitae), Labcorp
Classification: Likely benign. Last evaluated: 2024-08-21. Review status: criteria provided, single submitter. Criteria: Invitae Variant Classification Sherloc (09022015). Collection method: clinical testing. Allele origin: germline.